The following is an entry in ClinVar:

NM_016169.4(SUFU):c.383C>T (p.Thr128Ile)

Gene: SUFU (SUFU negative regulator of hedgehog signaling; plus strand). Cytogenetic location: 10q24.32.
Variant type: single nucleotide variant.
Coding change: c.383C>T on transcript NM_016169.4 (MANE Select); coding-DNA position 383, C replaced by T.
Protein change: p.Thr128Ile; replaces threonine 128 with isoleucine.
Molecular consequence: missense variant.
Genome position (GRCh38, 1-based): chr10:102,550,035, C>T. VCF-style: chr10-102550035-C-T. GRCh37 (hg19) VCF-style: chr10-104309792-C-T.
Other names: c.383C>T, p.Thr128Ile (NM_001178133.2); short protein forms T128I.
Identifiers: ClinVar variation 3802875 (VCV003802875.1).

ClinVar aggregate classification (germline): Uncertain significance (1 of 4 stars; one submission).

Conditions:
Hereditary cancer-predisposing syndrome. Also called: Neoplastic Syndromes, Hereditary; Hereditary Cancer Syndrome; Tumor predisposition; Hereditary neoplastic syndrome. Identifiers: Orphanet 140162, MedGen C0027672, MeSH D009386, MONDO:0015356.

gnomAD v4.1: 1 of 1,614,200 alleles (0.000062%); highest among the groups gnomAD compares: Middle Eastern, 0.016%; no homozygotes.

Submission:

Ambry Genetics
Classification: Uncertain significance for Hereditary cancer-predisposing syndrome. Last evaluated: 2025-02-02. Review status: criteria provided, single submitter. Criteria: Ambry Variant Classification Scheme 2023. Collection method: clinical testing. Allele origin: germline.
Comment: The p.T128I variant (also known as c.383C>T), located in coding exon 3 of the SUFU gene, results from a C to T substitution at nucleotide position 383. The threonine at codon 128 is replaced by isoleucine, an amino acid with similar properties. This amino acid position is conserved. In addition, this alteration is predicted to be tolerated by in silico analysis. Based on the available evidence, the clinical significance of this variant remains unclear.